The following is an entry in ClinVar:

NM_001134673.4(NFIA):c.1473A>T (p.Pro491=)

Gene: NFIA (nuclear factor I A; plus strand). Cytogenetic location: 1p31.3.
Variant type: single nucleotide variant.
Coding change: c.1473A>T on transcript NM_001134673.4 (MANE Select); coding-DNA position 1473, A replaced by T.
Protein change: p.Pro491=; no amino-acid change (proline 491 retained).
Molecular consequence: synonymous variant. On other transcripts: intron variant (1).
Genome position (GRCh38, 1-based): chr1:61,426,517, A>T. VCF-style: chr1-61426517-A-T. GRCh37 (hg19) VCF-style: chr1-61892189-A-T.
Other names: c.1449A>T, p.Pro483= (NM_001145511.2); c.1608A>T, p.Pro536= (NM_001145512.2); c.1420+19790A>T (NM_005595.5).
Identifiers: ClinVar variation 2638856 (VCV002638856.24), dbSNP rs2525386717, ClinGen allele CA418150367.

ClinVar aggregate classification (germline): Likely benign (1 of 4 stars; one submission).

Submission:

CeGaT Center for Human Genetics Tuebingen
Classification: Likely benign. Last evaluated: 2023-08-01. Review status: criteria provided, single submitter. Criteria: CeGaT Center For Human Genetics Tuebingen Variant Classification Criteria Version 2. Collection method: clinical testing. Allele origin: germline. Affected: yes. Observed: 1 variant allele.
Comment: NFIA: PM2:Supporting, BP4, BP7